The following is an entry in ClinVar:

ClinVar aggregate classification (germline): Conflicting classifications of pathogenicity. Review status: criteria provided, conflicting classifications (1 of 4 stars). 5 submissions from 5 submitters: Uncertain significance (2); Likely benign (2). 1 of the submissions does not count toward it. Last evaluated 2025-08-01.

Conditions:
Cerebral cavernous malformation (CCM). Also called: Cerebral cavernous hemangioma (type); Cerebral cavernous malformations; CAVERNOUS ANGIOMA, FAMILIAL; CAVERNOUS ANGIOMATOUS MALFORMATIONS; CEREBRAL CAPILLARY MALFORMATIONS; Cavernous Hemangioma of Brain. Identifiers: Orphanet 221061, MedGen C2919945, MONDO:0000820, OMIM 116860, HP:0033522.
KRIT1-related disorder. Also called: KRIT1-related condition; KRIT1-related disorders.
Inborn genetic diseases. Identifiers: MedGen C0950123, MeSH D030342.

Allele frequency attached by ClinVar (database versions not stated): gnomAD exomes 0.00001; ExAC 0.00008; gnomAD 0.00016; TOPMed 0.00016; ESP Exome Variant Server 0.00023.
gnomAD v4.1: 44 of 1,607,332 alleles (0.0027%); highest among the groups gnomAD compares: African/African-American, 0.044%; no homozygotes.

Submissions (5):

Mayo Clinic Laboratories, Mayo Clinic
Classification: Uncertain significance. Last evaluated: 2025-08-01. Review status: criteria provided, single submitter. Criteria: ACMG Guidelines, 2015. Collection method: clinical testing. Allele origin: germline. Observed: 1 variant allele.
Comment: BS1

Women's Health and Genetics/Laboratory Corporation of America, LabCorp
Classification: Uncertain significance. Last evaluated: 2024-10-17. Review status: criteria provided, single submitter. Criteria: LabCorp Variant Classification Summary - May 2015. Collection method: clinical testing. Allele origin: germline.
Comment: Variant summary: KRIT1 c.1384A>G (p.Thr462Ala) results in a non-conservative amino acid change located in the FERM domain of the encoded protein sequence. Three of five in-silico tools predict a benign effect of the variant on protein function. The variant allele was found at a frequency of 5.6e-05 in 251152 control chromosomes. This frequency is not significantly higher than estimated for a pathogenic variant in KRIT1 causing KRIT1-Related Disorders, allowing no conclusion about variant significance. To our knowledge, no occurrence of c.1384A>G in individuals affected with KRIT1-Related Disorders and no experimental evidence demonstrating its impact on protein function have been reported. ClinVar contains an entry for this variant (Variation ID: 1771352). Based on the evidence outlined above, the variant was classified as uncertain significance.

Labcorp Genetics (formerly Invitae), Labcorp
Classification: Likely benign for Cerebral cavernous malformation. Last evaluated: 2023-08-21. Review status: criteria provided, single submitter. Criteria: Invitae Variant Classification Sherloc (09022015). Collection method: clinical testing. Allele origin: germline.

Ambry Genetics
Classification: Likely benign for Inborn genetic diseases. Last evaluated: 2023-02-09. Review status: criteria provided, single submitter. Criteria: Ambry Variant Classification Scheme 2023. Collection method: clinical testing. Allele origin: germline.

PreventionGenetics, part of Exact Sciences
Classification: Likely benign for KRIT1-related condition. Last evaluated: 2021-08-11. Review status: no assertion criteria provided. Collection method: clinical testing. Allele origin: germline. Not counted in ClinVar's aggregate classification.
Comment: This variant is classified as likely benign based on ACMG/AMP sequence variant interpretation guidelines (Richards et al. 2015 PMID: 25741868, with internal and published modifications).

NM_194454.3(KRIT1):c.1384A>G (p.Thr462Ala)

Gene: KRIT1 (KRIT1 ankyrin repeat containing; minus strand). Cytogenetic location: 7q21.2.
Variant type: single nucleotide variant.
Coding change: c.1384A>G on transcript NM_194454.3 (MANE Select); coding-DNA position 1384, A replaced by G.
Protein change: p.Thr462Ala; replaces threonine 462 with alanine.
Molecular consequence: missense variant.
Genome position (GRCh38, 1-based): chr7:92,222,849, T>C on the plus strand (A>G on the coding strand, the complement: KRIT1 is on the minus strand). VCF-style: chr7-92222849-T-C. GRCh37 (hg19) VCF-style: chr7-91852163-T-C.
Other names: p.Thr462Ala; c.1240A>G, p.Thr414Ala (NM_001013406.2, NM_001350669.1, NM_001350670.1); c.670A>G, p.Thr224Ala (NM_001350671.1); c.1384A>G, p.Thr462Ala (NM_001350672.1, NM_001350673.1, NM_001350674.1 and 26 more transcripts); short protein forms T414A, T462A, T224A.
Identifiers: ClinVar variation 1771352 (VCV001771352.9), dbSNP rs141514714, ClinGen allele CA4339130.